The following is an entry in ClinVar:

ClinVar aggregate classification (germline): Uncertain significance. Review status: criteria provided, multiple submitters, no conflicts (2 of 4 stars). 5 submissions from 5 submitters: Uncertain significance (5). Last evaluated 2026-08-23.

Conditions:
Microcephalic osteodysplastic primordial dwarfism type II (MOPD2). Also called: Microcephalic osteodysplastic primordial dwarfism with tooth abnormalities; MOPD II; OSTEODYSPLASTIC PRIMORDIAL DWARFISM, TYPE II. Identifiers: Orphanet 2637, MedGen C0432246, MONDO:0008872, OMIM 210720.
Inborn genetic diseases. Identifiers: MedGen C0950123, MeSH D030342.
PCNT-related disorder. Also called: PCNT-related condition.

Allele frequency attached by ClinVar (database versions not stated): ExAC 0.00002; ESP Exome Variant Server 0.00015.
gnomAD v4.1: 49 of 1,613,298 alleles (0.003%); highest among the groups gnomAD compares: Admixed American, 0.0033%; no homozygotes.

Submissions (5):

PreventionGenetics, part of Exact Sciences
Classification: Uncertain significance for PCNT-related condition. Last evaluated: 2026-08-23. Review status: criteria provided, single submitter. Criteria: ACMG Guidelines, 2015. Collection method: clinical testing. Allele origin: germline.
Comment: The PCNT c.9752C>T variant is predicted to result in the amino acid substitution p.Pro3251Leu. To our knowledge, this variant has not been reported in the literature. This variant is reported in 0.0062% of alleles in individuals of African descent in gnomAD. At this time, the clinical significance of this variant is uncertain due to the absence of conclusive functional and genetic evidence.

GeneDx
Classification: Uncertain significance. Last evaluated: 2026-04-17. Review status: criteria provided, single submitter. Criteria: GeneDx Variant Classification Process June 2021. Collection method: clinical testing. Allele origin: germline.
Comment: Not observed at significant frequency in large population cohorts (gnomAD); In silico analysis supports that this missense variant has a deleterious effect on protein structure/function; Has not been previously published as pathogenic or benign to our knowledge

Labcorp Genetics (formerly Invitae), Labcorp
Classification: Uncertain significance. Last evaluated: 2025-01-28. Review status: criteria provided, single submitter. Criteria: Invitae Variant Classification Sherloc (09022015). Collection method: clinical testing. Allele origin: germline.
Comment: This sequence change replaces proline, which is neutral and non-polar, with leucine, which is neutral and non-polar, at codon 3251 of the PCNT protein (p.Pro3251Leu). This variant is present in population databases (rs138097697, gnomAD 0.007%). This variant has not been reported in the literature in individuals affected with PCNT-related conditions. ClinVar contains an entry for this variant (Variation ID: 2402145). An algorithm developed to predict the effect of missense changes on protein structure and function (PolyPhen-2) suggests that this variant is likely to be disruptive. In summary, the available evidence is currently insufficient to determine the role of this variant in disease. Therefore, it has been classified as a Variant of Uncertain Significance.

Ambry Genetics
Classification: Uncertain significance for Inborn genetic diseases. Last evaluated: 2024-11-26. Review status: criteria provided, single submitter. Criteria: Ambry Variant Classification Scheme 2023. Collection method: clinical testing. Allele origin: germline.

Revvity Omics, Revvity
Classification: Uncertain significance for Microcephalic osteodysplastic primordial dwarfism type II. Last evaluated: 2023-03-16. Review status: criteria provided, single submitter. Criteria: ACMG Guidelines, 2015. Collection method: clinical testing. Allele origin: germline.

NM_006031.6(PCNT):c.9752C>T (p.Pro3251Leu)

Gene: PCNT (pericentrin; plus strand). Cytogenetic location: 21q22.3.
Variant type: single nucleotide variant.
Coding change: c.9752C>T on transcript NM_006031.6 (MANE Select); coding-DNA position 9752, C replaced by T.
Protein change: p.Pro3251Leu; replaces proline 3251 with leucine.
Molecular consequence: missense variant.
Genome position (GRCh38, 1-based): chr21:46,443,861, C>T. VCF-style: chr21-46443861-C-T. GRCh37 (hg19) VCF-style: chr21-47863774-C-T.
Other names: c.9161C>T, p.Pro3054Leu (NM_001315529.2); short protein forms P3054L, P3251L.
Identifiers: ClinVar variation 2402145 (VCV002402145.9), dbSNP rs138097697, ClinGen allele CA10081463.